The following is an entry in ClinVar:

ClinVar aggregate classification (germline): Uncertain significance (1 of 4 stars; one submission).

Conditions:
Episodic ataxia type 2 (EA2). Also called: ACETAZOLAMIDE-RESPONSIVE HEREDITARY PAROXYSMAL CEREBELLAR ATAXIA; ATAXIA, EPISODIC, WITH NYSTAGMUS; ATAXIA, FAMILIAL PAROXYSMAL; CEREBELLAR ATAXIA, PAROXYSMAL, ACETAZOLAMIDE-RESPONSIVE; CEREBELLOPATHY, HEREDITARY PAROXYSMAL; EPISODIC ATAXIA, NYSTAGMUS-ASSOCIATED. Identifiers: Orphanet 97, MedGen C1720416, MONDO:0007163, OMIM 108500.
Developmental and epileptic encephalopathy, 42 (DEE42A). Also called: Epileptic encephalopathy, early infantile, 42; DEVELOPMENTAL AND EPILEPTIC ENCEPHALOPATHY 42A; EPILEPTIC ENCEPHALOPATHY, EARLY INFANTILE, 42A. Identifiers: MedGen C4310716, MONDO:0014917, OMIM 617106.

Submission:

Labcorp Genetics (formerly Invitae), Labcorp
Classification: Uncertain significance for Developmental and epileptic encephalopathy, 42; Episodic ataxia type 2. Last evaluated: 2025-03-05. Review status: criteria provided, single submitter. Criteria: Invitae Variant Classification Sherloc (09022015). Collection method: clinical testing. Allele origin: germline.
Comment: This sequence change replaces valine, which is neutral and non-polar, with leucine, which is neutral and non-polar, at codon 1326 of the CACNA1A protein (p.Val1326Leu). This variant is not present in population databases (gnomAD no frequency). This variant has not been reported in the literature in individuals affected with CACNA1A-related conditions. Invitae Evidence Modeling of protein sequence and biophysical properties (such as structural, functional, and spatial information, amino acid conservation, physicochemical variation, residue mobility, and thermodynamic stability) indicates that this missense variant is not expected to disrupt CACNA1A protein function with a negative predictive value of 95%. In summary, the available evidence is currently insufficient to determine the role of this variant in disease. Therefore, it has been classified as a Variant of Uncertain Significance.

NM_001127222.2(CACNA1A):c.3973G>C (p.Val1325Leu)

Genes: CACNA1A (calcium voltage-gated channel subunit alpha1 A; minus strand), LOC126862865 (CDK7 strongly-dependent group 2 enhancer GRCh37_chr19:13385818-13387017; plus strand). Cytogenetic location: 19p13.13.
Variant type: single nucleotide variant.
Coding change: c.3973G>C on transcript NM_001127222.2 (MANE Select); coding-DNA position 3973, G replaced by C.
Protein change: p.Val1325Leu; replaces valine 1325 with leucine.
Molecular consequence: missense variant.
Genome position (GRCh38, 1-based): chr19:13,275,866, C>G on the plus strand (G>C on the coding strand, the complement: CACNA1A is on the minus strand). VCF-style: chr19-13275866-C-G. GRCh37 (hg19) VCF-style: chr19-13386680-C-G.
Other names: c.3985G>C, p.Val1329Leu (NM_000068.4, NM_023035.3); c.3976G>C, p.Val1326Leu (NM_001127221.2, NM_001174080.2); short protein forms V1326L, V1325L, V1329L.
Identifiers: ClinVar variation 4789724 (VCV004789724.1).